The following is an entry in ClinVar:

NM_138638.5(CFL2):c.114C>A (p.Phe38Leu)

Gene: CFL2 (cofilin 2; minus strand). Cytogenetic location: 14q13.1.
Variant type: single nucleotide variant.
Coding change: c.114C>A on transcript NM_138638.5 (MANE Select); coding-DNA position 114, C replaced by A.
Protein change: p.Phe38Leu; replaces phenylalanine 38 with leucine.
Molecular consequence: missense variant. On other transcripts: non-coding transcript variant (1).
Genome position (GRCh38, 1-based): chr14:34,713,451, G>T on the plus strand (C>A on the coding strand, the complement: CFL2 is on the minus strand). VCF-style: chr14-34713451-G-T. GRCh37 (hg19) VCF-style: chr14-35182657-G-T.
Other names: c.63C>A, p.Phe21Leu (NM_001243645.2); c.114C>A, p.Phe38Leu (NM_021914.8); short protein forms F21L, F38L.
Identifiers: ClinVar variation 1713372 (VCV001713372.5), dbSNP rs1885387195, ClinGen allele CA389421947.

ClinVar aggregate classification (germline): Uncertain significance (1 of 4 stars; one submission).

Conditions:
Nemaline myopathy 7 (NEM7). Also called: Nemaline myopathy 7, autosomal recessive. Identifiers: Orphanet 171436, MedGen C1853154, MONDO:0012538, OMIM 610687.

Submission:

Labcorp Genetics (formerly Invitae), Labcorp
Classification: Uncertain significance for Nemaline myopathy 7. Last evaluated: 2023-03-01. Review status: criteria provided, single submitter. Criteria: Invitae Variant Classification Sherloc (09022015). Collection method: clinical testing. Allele origin: germline.
Comment: In summary, the available evidence is currently insufficient to determine the role of this variant in disease. Therefore, it has been classified as a Variant of Uncertain Significance. An algorithm developed to predict the effect of missense changes on protein structure and function (PolyPhen-2) suggests that this variant is likely to be disruptive. ClinVar contains an entry for this variant (Variation ID: 1713372). This variant has not been reported in the literature in individuals affected with CFL2-related conditions. This variant is not present in population databases (gnomAD no frequency). This sequence change replaces phenylalanine, which is neutral and non-polar, with leucine, which is neutral and non-polar, at codon 38 of the CFL2 protein (p.Phe38Leu).